The following is an entry in ClinVar:

NM_004562.3(PRKN):c.*1296A>G

Gene: PRKN (parkin RBR E3 ubiquitin protein ligase; minus strand). Cytogenetic location: 6q26.
Variant type: single nucleotide variant.
Coding change: c.*1296A>G on transcript NM_004562.3 (MANE Select); 1296 bases downstream of the stop codon, A replaced by G.
Molecular consequence: 3 prime UTR variant.
Genome position (GRCh38, 1-based): chr6:161,348,803, T>C on the plus strand (A>G on the coding strand, the complement: PRKN is on the minus strand). VCF-style: chr6-161348803-T-C. GRCh37 (hg19) VCF-style: chr6-161769835-T-C.
Other names: c.*1296A>G (NM_013987.3, NM_013988.3).
Identifiers: ClinVar variation 355998 (VCV000355998.5), dbSNP rs3734464, ClinGen allele CA10623386.

ClinVar aggregate classification (germline): Benign (1 of 4 stars; one submission).

Conditions:
Autosomal recessive juvenile Parkinson disease 2. Also called: PARKINSON DISEASE, JUVENILE, AUTOSOMAL RECESSIVE; Parkinson disease autosomal recessive, early onset; Juvenile parkinsonism; Parkinsonism, early onset, with diurnal fluctuation; PRKN-Related Early-Onset Parkinson Disease; Parkinson disease, juvenile, type 2. Identifiers: Orphanet 2828, MedGen C1868675, MONDO:0010820, OMIM 600116.

Allele frequency attached by ClinVar (database versions not stated): 1000 Genomes Project 30x 0.05715; 1000 Genomes Project 0.05771; TOPMed 0.07760; gnomAD exomes 0.07981; gnomAD 0.08236 and 0.08312.
gnomAD v4.1: 17,138 of 210,028 alleles (8.2%); highest among the groups gnomAD compares: Non-Finnish European, 9.8%; 763 homozygotes.

Submission:

Illumina Laboratory Services, Illumina
Classification: Benign for Autosomal recessive juvenile Parkinson disease 2. Last evaluated: 2018-01-13. Review status: criteria provided, single submitter. Criteria: ICSL Variant Classification Criteria 13 December 2019. Collection method: clinical testing. Allele origin: germline.
Comment: This variant was observed in the ICSL laboratory as part of a predisposition screen in an ostensibly healthy population. It had not been previously curated by ICSL or reported in the Human Gene Mutation Database (HGMD: prior to June 1st, 2018), and was therefore a candidate for classification through an automated scoring system. Utilizing variant allele frequency, disease prevalence and penetrance estimates, and inheritance mode, an automated score was calculated to assess if this variant is too frequent to cause the disease. Based on the score and internal cut-off values, a variant classified as benign is not then subjected to further curation. The score for this variant resulted in a classification of benign for this disease.